The following is an entry in ClinVar:

ClinVar aggregate classification (germline): Likely benign. Review status: criteria provided, multiple submitters, no conflicts (2 of 4 stars). 2 submissions from 2 submitters: Likely benign (2). Last evaluated 2025-04-13.

Conditions:
Jeune thoracic dystrophy. Also called: Short-rib thoracic dysplasia; Jeune syndrome; Infantile thoracic dystrophy; Thoracic pelvic phalangeal dystrophy; Jeune's syndrome; Chondroectodermal dysplasia-like syndrome. Identifiers: Orphanet 474, MedGen C0265275, MONDO:0018770.
Nephronophthisis. Also called: Juvenile Nephronophthisis. Identifiers: Orphanet 655, MedGen C0687120, MONDO:0019005, HP:0000090.

gnomAD v4.1: 12 of 1,560,892 alleles (0.00077%); highest among the groups gnomAD compares: South Asian, 0.011%; no homozygotes.

Submissions (2):

Labcorp Genetics (formerly Invitae), Labcorp
Classification: Likely benign for Jeune thoracic dystrophy; Nephronophthisis. Last evaluated: 2025-04-13. Review status: criteria provided, single submitter. Criteria: Invitae Variant Classification Sherloc (09022015). Collection method: clinical testing. Allele origin: germline.

GeneDx
Classification: Likely benign. Last evaluated: 2017-12-04. Review status: criteria provided, single submitter. Criteria: GeneDx Variant Classification (06012015). Collection method: clinical testing. Allele origin: germline. Affected: yes.
Comment: This variant is considered likely benign or benign based on one or more of the following criteria: it is a conservative change, it occurs at a poorly conserved position in the protein, it is predicted to be benign by multiple in silico algorithms, and/or has population frequency not consistent with disease.

NM_024753.5(TTC21B):c.2568+15C>T

Gene: TTC21B (tetratricopeptide repeat domain 21B; minus strand). Cytogenetic location: 2q24.3.
Variant type: single nucleotide variant.
Coding change: c.2568+15C>T on transcript NM_024753.5 (MANE Select); 15 bases into the intron after coding-DNA position 2568, C replaced by T.
Molecular consequence: intron variant.
Genome position (GRCh38, 1-based): chr2:165,907,663, G>A on the plus strand (C>T on the coding strand, the complement: TTC21B is on the minus strand). VCF-style: chr2-165907663-G-A. GRCh37 (hg19) VCF-style: chr2-166764173-G-A.
Identifiers: ClinVar variation 513697 (VCV000513697.2), dbSNP rs368590446, ClinGen allele CA1941799.